The following is an entry in ClinVar:

NM_001105247.2(ARMC5):c.1371-3C>A

Gene: ARMC5 (armadillo repeat containing 5; plus strand). Cytogenetic location: 16p11.2.
Variant type: single nucleotide variant.
Coding change: c.1371-3C>A on transcript NM_001105247.2 (MANE Select); 3 bases into the intron before coding-DNA position 1371, C replaced by A.
Molecular consequence: intron variant.
Genome position (GRCh38, 1-based): chr16:31,464,391, C>A. VCF-style: chr16-31464391-C-A. GRCh37 (hg19) VCF-style: chr16-31475712-C-A.
Other names: c.1656-3C>A (NM_001288767.1, NM_001288767.2); c.1467-3C>A (NM_001301820.1); c.1371-3C>A (NM_024742.2).
Identifiers: ClinVar variation 1686465 (VCV001686465.3), dbSNP rs200655247, ClinGen allele CA8029669.

ClinVar aggregate classification (germline): Conflicting classifications of pathogenicity. Review status: criteria provided, conflicting classifications (1 of 4 stars). 2 submissions from 2 submitters: Uncertain significance (1); Likely benign (1). Last evaluated 2024-04-09.

Conditions:
Hereditary cancer-predisposing syndrome. Also called: Hereditary Cancer Syndrome; Hereditary neoplastic syndrome; Neoplastic Syndromes, Hereditary; Tumor predisposition. Identifiers: Orphanet 140162, MedGen C0027672, MeSH D009386, MONDO:0015356.
ARMC5-related disorder. Also called: ARMC5-related condition.

Allele frequency attached by ClinVar (database versions not stated): gnomAD exomes 0.00017 and 0.00032; 1000 Genomes Project 0.00020; ExAC 0.00030; 1000 Genomes Project 30x 0.00031; gnomAD 0.00044 and 0.00048; ESP Exome Variant Server 0.00058; TOPMed 0.00067.
gnomAD v4.1: 313 of 1,514,700 alleles (0.021%); highest among the groups gnomAD compares: Middle Eastern, 0.16%; no homozygotes.

Submissions (2):

Mendelics
Classification: Likely benign for Hereditary cancer-predisposing syndrome. Last evaluated: 2024-04-09. Review status: criteria provided, single submitter. Criteria: ACMG Guidelines, 2015. Collection method: clinical testing. Allele origin: unknown.

PreventionGenetics, part of Exact Sciences
Classification: Uncertain significance for ARMC5-related condition. Last evaluated: 2023-02-23. Review status: criteria provided, single submitter. Criteria: ACMG Guidelines, 2015. Collection method: clinical testing. Allele origin: germline.
Comment: The ARMC5 c.1656-3C>A variant is predicted to interfere with splicing. This variant was reported in an individual with primary aldosteronism, however, its pathogenicity was not elucidated (reported as rs200655247 in Zilbermint et al. 2015. PubMed ID: 25822102). In ClinVar, it is interpreted as a variant of uncertain significance. This variant is reported in 0.14% of alleles in individuals of African descent in gnomAD. This variant could be benign. At this time, the clinical significance of this variant is uncertain due to the absence of conclusive functional and genetic evidence.